The following is an entry in ClinVar:

NM_015311.3(OBSL1):c.1260dup (p.Val421fs)

Gene: OBSL1 (obscurin like cytoskeletal adaptor 1; minus strand). Cytogenetic location: 2q35.
Variant type: Duplication.
Coding change: c.1260dup on transcript NM_015311.3 (MANE Select); coding-DNA position 1260, one base duplicated (C; older notation c.1260dupC).
Protein change: p.Val421fs; shifts the reading frame from valine 421.
Molecular consequence: frameshift variant.
Genome position (GRCh38, 1-based): chr2:219,568,077, G duplicated on the plus strand (C on the coding strand, the reverse complement: OBSL1 is on the minus strand); the first of 2 consecutive G bases (chr2:219,568,077-219,568,078); duplicating either gives the same sequence. VCF-style (leftmost placement, unchanged base first): chr2-219568076-C-CG. GRCh37 (hg19) VCF-style: chr2-220432798-C-CG.
Other names: c.1260dup, p.Val421fs (NM_001173408.2, NM_001173431.2); c.1260dup (NM_015311.2); c.1260dupC (NM_015311.2); short protein forms V421fs.
Identifiers: ClinVar variation 2572584 (VCV002572584.3), dbSNP rs776873731, ClinGen allele CA2131594.

ClinVar aggregate classification (germline): Pathogenic. Review status: criteria provided, multiple submitters, no conflicts (2 of 4 stars). 3 submissions from 3 submitters: Pathogenic (3). Last evaluated 2024-12-31.

Conditions:
OBSL1-related disorder. Also called: OBSL1-related condition.
3M syndrome 2. Also called: 3-M Syndrome, OBSL1-Related; THREE M SYNDROME 2. Identifiers: Orphanet 2616, MedGen C2752041, MONDO:0013039, OMIM 612921.

Submissions (3):

PreventionGenetics, part of Exact Sciences
Classification: Pathogenic for OBSL1-related condition. Last evaluated: 2024-12-31. Review status: criteria provided, single submitter. Criteria: ACMG Guidelines, 2015. Collection method: clinical testing. Allele origin: germline.
Comment: The OBSL1 c.1260dupC variant is predicted to result in a frameshift and premature protein termination (p.Val421Argfs*44). This variant was reported in the homozygous state in an individual with skeletal dysplasia (Tables S6 and S7, Stranneheim et al. 2021. PubMed ID: 33726816). This variant is reported in 0.0065% of alleles in individuals of South Asian descent in gnomAD. Frameshift variants in OBSL1 are expected to be pathogenic. This variant is interpreted as pathogenic.

GeneDx
Classification: Pathogenic. Last evaluated: 2024-08-08. Review status: criteria provided, single submitter. Criteria: GeneDx Variant Classification Process June 2021. Collection method: clinical testing. Allele origin: germline. Affected: yes.
Comment: Frameshift variant predicted to result in protein truncation or nonsense mediated decay in a gene for which loss of function is a known mechanism of disease; Has not been reported in association with a OBSL1-related disorder to our knowledge; This variant is associated with the following publications: (PMID: 33726816)

3billion
Classification: Pathogenic for 3M syndrome 2. Review status: criteria provided, single submitter. Criteria: ACMG Guidelines, 2015. Collection method: clinical testing. Allele origin: unknown. Affected: yes. Observed: 1 homozygote.
Comment: The homozygous variant is observed at an extremely low frequency in the gnomAD v2.1.1 dataset (total allele frequency: <0.001%). This frameshift variant is predicted to result in a loss or disruption of normal protein function through nonsense-mediated decay (NMD) or protein truncation. Multiple pathogenic variants are reported downstream of the variant. The variant has been reported to be associated with OBSL1-related disorder (PMID: 33726816). Therefore, this variant is classified as pathogenic according to the recommendation of ACMG/AMP guideline.

Literature cited by the submitters: PubMed 33726816 (cited by 3billion).